The following is an entry in ClinVar:

NM_022114.4(PRDM16):c.823G>A (p.Gly275Ser)

Gene: PRDM16 (PR/SET domain 16; plus strand). Cytogenetic location: 1p36.32.
Variant type: single nucleotide variant.
Coding change: c.823G>A on transcript NM_022114.4 (MANE Select); coding-DNA position 823, G replaced by A.
Protein change: p.Gly275Ser; replaces glycine 275 with serine.
Molecular consequence: missense variant.
Genome position (GRCh38, 1-based): chr1:3,402,937, G>A. VCF-style: chr1-3402937-G-A. GRCh37 (hg19) VCF-style: chr1-3319501-G-A.
Other names: c.823G>A, p.Gly275Ser (NM_199454.3); short protein forms G275S.
Identifiers: ClinVar variation 1423582 (VCV001423582.7), dbSNP rs752636134, ClinGen allele CA543966.
Genomic context (GRCh38, chr1:3,402,937, plus strand): 5'-TCAGTGGGGGCTGCGCTCTACGAGGGCCTGGCTGAGGAGCTCAAGCCCGAGGGCCTTGGC[G>A]GTGGCAGCGGCCAAGCCCACGAGTGCAAGGACTGCGAGCGGATGTTCCCCAACAAGTACA-3'
Protein context (NP_071397.3, residues 265-285): AEELKPEGLG[Gly275Ser]GSGQAHECKD

ClinVar aggregate classification (germline): Uncertain significance. Review status: criteria provided, multiple submitters, no conflicts (2 of 4 stars). 2 submissions from 2 submitters: Uncertain significance (2). Last evaluated 2025-04-10.

Conditions:
Left ventricular noncompaction 8 (LVNC8). Identifiers: Orphanet 154, Orphanet 54260, MedGen C3809288, MONDO:0014152, OMIM 615373.

Allele frequency attached by ClinVar (database versions not stated): ExAC 0.00001; gnomAD 0.00001; gnomAD exomes 0.00001 and 0.00003; TOPMed 0.00001.
gnomAD v4.1: 21 of 1,612,800 alleles (0.0013%); highest among the groups gnomAD compares: South Asian, 0.013%; no homozygotes.

Submissions (2):

Labcorp Genetics (formerly Invitae), Labcorp
Classification: Uncertain significance for Left ventricular noncompaction 8. Last evaluated: 2025-04-10. Review status: criteria provided, single submitter. Criteria: Invitae Variant Classification Sherloc (09022015). Collection method: clinical testing. Allele origin: germline.
Comment: This sequence change replaces glycine, which is neutral and non-polar, with serine, which is neutral and polar, at codon 275 of the PRDM16 protein (p.Gly275Ser). This variant is present in population databases (rs752636134, gnomAD 0.02%). This variant has not been reported in the literature in individuals affected with PRDM16-related conditions. ClinVar contains an entry for this variant (Variation ID: 1423582). An algorithm developed to predict the effect of missense changes on protein structure and function outputs the following: PolyPhen-2: "Benign". The serine amino acid residue is found in multiple mammalian species, which suggests that this missense change does not adversely affect protein function. In summary, the available evidence is currently insufficient to determine the role of this variant in disease. Therefore, it has been classified as a Variant of Uncertain Significance.

Fulgent Genetics
Classification: Uncertain significance for Left ventricular noncompaction 8. Last evaluated: 2021-09-28. Review status: criteria provided, single submitter. Criteria: ACMG Guidelines, 2015. Collection method: clinical testing. Allele origin: unknown.